The following is an entry in ClinVar:

NM_001267550.2(TTN):c.51483G>A (p.Ala17161=)

Genes: TTN (titin; minus strand), TTN-AS1 (TTN antisense RNA 1; plus strand). Cytogenetic location: 2q31.2.
Variant type: single nucleotide variant.
Coding change: c.51483G>A on transcript NM_001267550.2 (MANE Select); coding-DNA position 51483, G replaced by A.
Protein change: p.Ala17161=; no amino-acid change (alanine 17161 retained).
Molecular consequence: synonymous variant.
Genome position (GRCh38, 1-based): chr2:178,609,940, C>T on the plus strand (G>A on the coding strand, the complement: TTN is on the minus strand). VCF-style: chr2-178609940-C-T. GRCh37 (hg19) VCF-style: chr2-179474667-C-T.
Other names: c.46560G>A, p.Ala15520= (NM_001256850.1); c.43779G>A, p.Ala14593= (NM_133378.4); c.24288G>A, p.Ala8096= (NM_003319.4); c.24663G>A, p.Ala8221= (NM_133432.3); c.24864G>A, p.Ala8288= (NM_133437.4).
Identifiers: ClinVar variation 47054 (VCV000047054.49), dbSNP rs397517604, ClinGen allele CA139871.

ClinVar aggregate classification (germline): Likely benign. Review status: criteria provided, multiple submitters, no conflicts (2 of 4 stars). 10 submissions from 10 submitters: Likely benign (7). 3 of the submissions do not count toward it. Last evaluated 2026-03-24.

Conditions:
TTN-related disorder. Also called: TTN-related condition; TTN-related disease; TTN-related disorders.
Cardiovascular phenotype. Identifiers: MedGen CN230736.
Dilated cardiomyopathy 1G (CMD1G). Identifiers: Orphanet 154, MedGen C1858763, MONDO:0011400, OMIM 604145.
Autosomal recessive limb-girdle muscular dystrophy type 2J (LGMDR10). Also called: Limb-girdle muscular dystrophy, type 2J; MUSCULAR DYSTROPHY, LIMB-GIRDLE, AUTOSOMAL RECESSIVE 10. Identifiers: Orphanet 140922, MedGen C1837342, MONDO:0012127, OMIM 608807.

Allele frequency attached by ClinVar (database versions not stated): gnomAD 0.00003 and 0.00004; ExAC 0.00004; gnomAD exomes 0.00005 and 0.00007; TOPMed 0.00007.
gnomAD v4.1: 119 of 1,612,662 alleles (0.0074%); highest among the groups gnomAD compares: Non-Finnish European, 0.0075%; no homozygotes.

Submissions (10):

PreventionGenetics, part of Exact Sciences
Classification: Likely benign for TTN-related condition. Last evaluated: 2026-03-24. Review status: criteria provided, single submitter. Criteria: ACMG Guidelines, 2015. Collection method: clinical testing. Allele origin: germline.
Comment: This variant is classified as likely benign based on ACMG/AMP sequence variant interpretation guidelines (Richards et al. 2015 PMID: 25741868, with internal and published modifications).

Labcorp Genetics (formerly Invitae), Labcorp
Classification: Likely benign for Dilated cardiomyopathy 1G; Autosomal recessive limb-girdle muscular dystrophy type 2J. Last evaluated: 2026-01-26. Review status: criteria provided, single submitter. Criteria: Invitae Variant Classification Sherloc (09022015). Collection method: clinical testing. Allele origin: germline.

CeGaT Center for Human Genetics Tuebingen
Classification: Likely benign. Last evaluated: 2023-10-01. Review status: criteria provided, single submitter. Criteria: CeGaT Center For Human Genetics Tuebingen Variant Classification Criteria Version 2. Collection method: clinical testing. Allele origin: germline. Affected: yes. Observed: 1 variant allele.
Comment: TTN: BP4, BP7

Women's Health and Genetics/Laboratory Corporation of America, LabCorp
Classification: Likely benign. Last evaluated: 2023-07-22. Review status: criteria provided, single submitter. Criteria: LabCorp Variant Classification Summary - May 2015. Collection method: clinical testing. Allele origin: germline.

GeneDx
Classification: Likely benign. Last evaluated: 2021-04-08. Review status: criteria provided, single submitter. Criteria: GeneDx Variant Classification Process June 2021. Collection method: clinical testing. Allele origin: germline. Affected: yes.

Ambry Genetics
Classification: Likely benign for Cardiovascular phenotype. Last evaluated: 2020-08-03. Review status: criteria provided, single submitter. Criteria: Ambry Variant Classification Scheme 2023. Collection method: clinical testing. Allele origin: germline.

Laboratory for Molecular Medicine, Mass General Brigham Personalized Medicine
Classification: Likely benign. Last evaluated: 2011-12-19. Review status: criteria provided, single submitter. Criteria: LMM Criteria. Collection method: clinical testing. Allele origin: germline. Observed: 2 variant alleles.
Comment: Ala14593Ala in exon 221 of TTN: This variant is not expected to have clinical si gnificance because it does not alter an amino acid residue and is not located wi thin the splice consensus sequence. Ala14593Ala in exon 221 of TTN (allele freq uency = n/a)

Clinical Genetics DNA and cytogenetics Diagnostics Lab, Erasmus MC, Erasmus Medical Center
Classification: Likely benign. Review status: no assertion criteria provided. Collection method: clinical testing. Allele origin: germline. Affected: yes. Study: VKGL Data-share Consensus. Not counted in ClinVar's aggregate classification.

Clinical Genetics, Academic Medical Center
Classification: Benign. Review status: no assertion criteria provided. Collection method: clinical testing. Allele origin: germline. Affected: yes. Study: VKGL Data-share Consensus. Not counted in ClinVar's aggregate classification.

Diagnostic Laboratory, Department of Genetics, University Medical Center Groningen
Classification: Likely benign. Review status: no assertion criteria provided. Collection method: clinical testing. Allele origin: germline. Affected: yes. Study: VKGL Data-share Consensus. Not counted in ClinVar's aggregate classification.